The following is an entry in ClinVar:

ClinVar aggregate classification (germline): Pathogenic. Review status: criteria provided, multiple submitters, no conflicts (2 of 4 stars). 2 submissions from 2 submitters: Pathogenic (2). Last evaluated 2023-11-15.

Conditions:
Cardiovascular phenotype. Identifiers: MedGen CN230736.
Hereditary cancer-predisposing syndrome. Also called: Hereditary Cancer Syndrome; Hereditary neoplastic syndrome; Neoplastic Syndromes, Hereditary; Tumor predisposition. Identifiers: Orphanet 140162, MedGen C0027672, MeSH D009386, MONDO:0015356.
Neurofibromatosis, type 1 (NF1). Also called: Peripheral type neurofibromatosis; VON RECKLINGHAUSEN DISEASE; Neurofibromatosis, type I; NEUROFIBROMATOSIS, TYPE I, SOMATIC. Identifiers: Orphanet 636, MedGen C0027831, MONDO:0018975, OMIM 162200. Disease mechanism: loss of function.

Submissions (2):

Labcorp Genetics (formerly Invitae), Labcorp
Classification: Pathogenic for Neurofibromatosis, type 1. Last evaluated: 2023-11-15. Review status: criteria provided, single submitter. Criteria: Invitae Variant Classification Sherloc (09022015). Collection method: clinical testing. Allele origin: germline.
Comment: This sequence change creates a premature translational stop signal (p.Ser1875Phefs*17) in the NF1 gene. It is expected to result in an absent or disrupted protein product. Loss-of-function variants in NF1 are known to be pathogenic (PMID: 10712197, 23913538). This variant is not present in population databases (gnomAD no frequency). This variant has not been reported in the literature in individuals affected with NF1-related conditions. Algorithms developed to predict the effect of sequence changes on RNA splicing suggest that this variant may disrupt the consensus splice site. For these reasons, this variant has been classified as Pathogenic.

Ambry Genetics
Classification: Pathogenic for Cardiovascular phenotype; Hereditary cancer-predisposing syndrome. Last evaluated: 2023-08-01. Review status: criteria provided, single submitter. Criteria: Ambry Variant Classification Scheme 2023. Collection method: clinical testing. Allele origin: germline.
Comment: The c.5623dupT pathogenic mutation, located in coding exon 38 of the NF1 gene, results from a duplication of T at nucleotide position 5623, causing a translational frameshift with a predicted alternate stop codon (p.S1875Ffs*17). This alteration has been observed in at least one individual with a personal and/or family history that is consistent with NF1-related disease (Ambry internal data). This variant is considered to be rare based on population cohorts in the Genome Aggregation Database (gnomAD). This alteration is expected to result in loss of function by premature protein truncation or nonsense-mediated mRNA decay. As such, this alteration is interpreted as a disease-causing mutation.

Literature cited by the submitters: PubMed 10712197 (cited by Labcorp Genetics (formerly Invitae), Labcorp); PubMed 23913538 (cited by Labcorp Genetics (formerly Invitae), Labcorp).

NM_001042492.3(NF1):c.5686dup (p.Ser1896fs)

Gene: NF1 (neurofibromin 1; plus strand). Cytogenetic location: 17q11.2.
Variant type: Duplication.
Coding change: c.5686dup on transcript NM_001042492.3 (MANE Select); coding-DNA position 5686, one base duplicated (T; older notation c.5686dupT).
Protein change: p.Ser1896fs; shifts the reading frame from serine 1896.
Molecular consequence: frameshift variant.
Genome position (GRCh38, 1-based): chr17:31,330,372, T duplicated. VCF-style (leftmost placement, unchanged base first): chr17-31330371-A-AT. GRCh37 (hg19) VCF-style: chr17-29657389-A-AT.
Other names: c.5623dupT (NM_000267.3); c.5623dup, p.Ser1875Phefs (NM_000267.4); short protein forms S1875fs, S1896fs.
Identifiers: ClinVar variation 2696103 (VCV002696103.4), dbSNP rs2508718397, ClinGen allele CA2697559549.